The following is an entry in ClinVar:

ClinVar aggregate classification (germline): Likely benign. Review status: criteria provided, multiple submitters, no conflicts (2 of 4 stars). 3 submissions from 3 submitters: Likely benign (3). Last evaluated 2023-09-17.

Conditions:
Cardiomyopathy (CMYO). Also called: Cardiomyopathies. Identifiers: Orphanet 167848, MedGen C0878544, MONDO:0004994, HP:0001638. Inheritance: Various modes of inheritance.
Catecholaminergic polymorphic ventricular tachycardia 1. Also called: VENTRICULAR TACHYCARDIA, CATECHOLAMINERGIC POLYMORPHIC, 1, WITH OR WITHOUT ATRIAL DYSFUNCTION AND/OR DILATED CARDIOMYOPATHY; RYR2-Related Catecholaminergic Polymorphic Ventricular Tachycardia; VENTRICULAR TACHYCARDIA, STRESS-INDUCED POLYMORPHIC 1. Identifiers: Orphanet 3286, MedGen C1631597, MONDO:0011484, OMIM 604772.
Catecholaminergic polymorphic ventricular tachycardia (CVPT). Also called: Catecholamine-induced polymorphic ventricular tachycardia. Identifiers: Orphanet 3286, MedGen C5574922, MONDO:0017990.

Allele frequency attached by ClinVar (database versions not stated): gnomAD exomes below 0.00001; gnomAD 0.00001; TOPMed 0.00001.
gnomAD v4.1: 4 of 1,607,862 alleles (0.00025%); highest among the groups gnomAD compares: African/African-American, 0.0013%; no homozygotes.

Submissions (3):

All of Us Research Program, National Institutes of Health
Classification: Likely benign for Catecholaminergic polymorphic ventricular tachycardia. Last evaluated: 2023-09-17. Review status: criteria provided, single submitter. Criteria: ACMG Guidelines, 2015. Collection method: clinical testing. Allele origin: germline. Inheritance: Autosomal dominant inheritance. Observed: 1 variant allele, 1 heterozygote.
Comment: This study involves interpretation of variants in research participants for the purpose of population health screening. Participant phenotype was not available at the time of variant classification. Additional details can be found in publication PMID: 35346344, PMCID: PMC8962531

Color Diagnostics, LLC DBA Color Health
Classification: Likely benign for Cardiomyopathy. Last evaluated: 2019-05-04. Review status: criteria provided, single submitter. Criteria: ACMG Guidelines, 2015. Collection method: clinical testing. Allele origin: germline.

Labcorp Genetics (formerly Invitae), Labcorp
Classification: Likely benign for Catecholaminergic polymorphic ventricular tachycardia 1. Last evaluated: 2017-12-26. Review status: criteria provided, single submitter. Criteria: Invitae Variant Classification Sherloc (09022015). Collection method: clinical testing. Allele origin: germline.

NM_001035.3(RYR2):c.8805A>G (p.Glu2935=)

Gene: RYR2 (ryanodine receptor 2; plus strand). Cytogenetic location: 1q43.
Variant type: single nucleotide variant.
Coding change: c.8805A>G on transcript NM_001035.3 (MANE Select); coding-DNA position 8805, A replaced by G.
Protein change: p.Glu2935=; no amino-acid change (glutamic acid 2935 retained).
Molecular consequence: synonymous variant.
Genome position (GRCh38, 1-based): chr1:237,674,821, A>G. VCF-style: chr1-237674821-A-G. GRCh37 (hg19) VCF-style: chr1-237838121-A-G.
Other names: c.8805A>G, p.Glu2935= (LRG_402t1).
Identifiers: ClinVar variation 532415 (VCV000532415.13), dbSNP rs915071961, ClinGen allele CA39819891.
Genomic context (GRCh38, chr1:237,674,821, plus strand): 5'-TTCTATTGAGAAACGATTTGCCTATAGTTTCCTCCAACAACTCATTCGCTATGTGGATGA[A>G]GCCCATCAGTATATCCTGGAGTTTGGTAGGTACCATAGTCCCATTGCTAATAGCCCAGTG-3'
Protein context (NP_001026.2, residues 2925-2945): FLQQLIRYVD[Glu2935=]AHQYILEFDG